The following is an entry in ClinVar:

ClinVar aggregate classification (germline): Pathogenic (1 of 4 stars; one submission).

Submission:

Labcorp Genetics (formerly Invitae), Labcorp
Classification: Pathogenic. Last evaluated: 2021-06-17. Review status: criteria provided, single submitter. Criteria: Invitae Variant Classification Sherloc (09022015). Collection method: clinical testing. Allele origin: germline.
Comment: For these reasons, this variant has been classified as Pathogenic. This sequence change creates a premature translational stop signal (p.Glu1424*) in the COL11A2 gene. It is expected to result in an absent or disrupted protein product. Loss-of-function variants in COL11A2 are known to be pathogenic (PMID: 10677296, 21204229). This variant is not present in population databases (ExAC no frequency). This variant has not been reported in the literature in individuals with COL11A2-related conditions.

Literature cited by the submitters: PubMed 10677296; PubMed 21204229.

NM_080680.3(COL11A2):c.4265dup (p.Gly1423_Glu1424insTer)

Gene: COL11A2 (collagen type XI alpha 2 chain; minus strand). Cytogenetic location: 6p21.32.
Variant type: Duplication.
Coding change: c.4265dup on transcript NM_080680.3 (MANE Select); coding-DNA position 4265, one base duplicated (C; older notation c.4265dupC).
Protein change: p.Gly1423_Glu1424insTer.
Molecular consequence: frameshift variant.
Genome position (GRCh38, 1-based): chr6:33,166,793, G duplicated on the plus strand (C on the coding strand, the reverse complement: COL11A2 is on the minus strand); the first of 5 consecutive G bases (chr6:33,166,793-33,166,797); duplicating any one gives the same sequence. VCF-style (leftmost placement, unchanged base first): chr6-33166792-C-CG. GRCh37 (hg19) VCF-style: chr6-33134569-C-CG.
Other names: c.3944dup, p.Gly1316_Glu1317insTer (NM_080679.3); c.4007dup, p.Gly1337_Glu1338insTer (NM_080681.3).
Identifiers: ClinVar variation 1351259 (VCV001351259.6), dbSNP rs1213117443, ClinGen allele CA2573140215.